The following is an entry in ClinVar:

ClinVar aggregate classification (germline): Uncertain significance (1 of 4 stars; one submission).

Conditions:
Neurodevelopmental disorder with nonspecific brain abnormalities and with or without seizures. Identifiers: MedGen C5231470, MONDO:0032877, OMIM 618709.

Submission:

Institute of Human Genetics, University of Leipzig Medical Center
Classification: Uncertain significance for Neurodevelopmental disorder with nonspecific brain abnormalities and with or without seizures. Last evaluated: 2025-09-10. Review status: criteria provided, single submitter. Criteria: ACMG Guidelines, 2015. Collection method: clinical testing. Allele origin: unknown. Inheritance: Autosomal dominant inheritance. Affected: yes.
Comment: Criteria applied: PM2,PS1_SUP,PP3

NM_005618.4(DLL1):c.1250-10T>A

Gene: DLL1 (delta like canonical Notch ligand 1; minus strand). Cytogenetic location: 6q27.
Variant type: single nucleotide variant.
Coding change: c.1250-10T>A on transcript NM_005618.4 (MANE Select); 10 bases into the intron before coding-DNA position 1250, T replaced by A.
Molecular consequence: intron variant.
Genome position (GRCh38, 1-based): chr6:170,284,039, A>T on the plus strand (T>A on the coding strand, the complement: DLL1 is on the minus strand). VCF-style: chr6-170284039-A-T. GRCh37 (hg19) VCF-style: chr6-170593127-A-T.
Identifiers: ClinVar variation 4291103 (VCV004291103.1).